The following is an entry in ClinVar:

GRCh37/hg19 11q14.1-14.3(chr11:80562738-88663067)x1

Genes: HIKESHI (heat shock protein nuclear import factor hikeshi; plus strand), ME3 (malic enzyme 3; minus strand), PCF11 (PCF11 cleavage and polyadenylation factor subunit; plus strand), PICALM (phosphatidylinositol binding clathrin assembly protein; minus strand), PRCP (prolylcarboxypeptidase; minus strand) and 20 more. Cytogenetic location: 11q14.1-14.3.
Variant type: copy number loss.
Change: copy number 1 (one copy instead of two) of chr11:80,562,738-88,663,067 (8.10 Mb, GRCh37 coordinates, 1-based), cytogenetic band 11q14.1-14.3.
Identifiers: ClinVar variation 1808656 (VCV001808656.1).

ClinVar aggregate classification (germline): Pathogenic (1 of 4 stars; one submission).

Submission:

Quest Diagnostics Nichols Institute San Juan Capistrano
Classification: Pathogenic. Last evaluated: 2022-05-10. Review status: criteria provided, single submitter. Criteria: ACMG/ClinGen CNV Guidelines, 2019. Collection method: clinical testing. Allele origin: unknown.
Comment: The copy number loss of 11q14.1q14.3 involves numerous protein-coding genes, including FZD4 (OMIM 604579), EED (OMIM 605984), TMEM126B (OMIM 615533), and HIKESHI (OMIM 614908). Haploinsufficiency of FZD4 is associated with autosomal dominant exudative vitreoretinopathy-1 (EVR1; OMIM 133780), which is characterized by the incomplete development of the retinal vasculature. Its clinical appearance varies considerably, with severely affected patients often registered as blind during infancy, whereas mildly affected patients with few or no visual problems may have such a small area of avascularity in their peripheral retina that it is visible only by fluorescein angiography. Additionally, heterozygous missense variants of FZD4 are associated with autosomal dominant retinopathy of prematurity (OMIM 133780). Heterozygous missense (potentially loss-of-function) variants of EED are associated with autosomal dominant Cohen-Gibson syndrome (COGIS; OMIM 617561), which is characterized by increased somatic parameters apparent from birth and associated with variable intellectual disability (ID). Affected individuals have dysmorphic facial features, advanced bone age, and skeletal abnormalities. Other features may include hypotonia, difficulty walking due to skeletal anomalies, and umbilical hernia. Biallelic missense variants of HIKESHI are associated with autosomal recessive hypomyelinating leukodystrophy-13 (HLD13; OMIM 616881), which is characterized by infantile onset of delayed psychomotor development, axial hypotonia, and spasticity associated with delayed myelination and periventricular white matter abnormalities on brain imaging. More variable neurologic deficits, such as visual impairment, may also occur. Some patients may experience cardiac failure during acute illness. Biallelic missense variants of TMEM126B are associated with autosomal recessive mitochondrial complex I deficiency nuclear type 29 (MC1DN29; OMIM 618250), which presents with exercise intolerance and muscle weakness in childhood or adolescence. There are two additional genes in this copy number loss that are associated with autosomal recessive disorders: CTSC (OMIM 602365) and TMEM126A (OMIM 612988). While DLG2 (OMIM 603583) is not currently associated with an OMIM phenotype, there is emerging information suggesting deletions of this gene may be a risk factor for neurodevelopmental disorders (Reggiani 2017, Di Gregorio 2017). Sequence variants and intragenic deletions of DLG2 have also been observed in patients with schizophrenia Kushima 2017, Ingason 2015, Georgieva 2014). As copy number losses of this interval have been associated with a clinical phenotype, and there are no similar copy number losses of this region in the general populations of the Database of Genomic Variants, based on current medical literature and gene content, this copy number variant (CNV) is interpreted as pathogenic. References: Di Gregorio et al., Clin Genet. 2017 Oct;92(4):415-422. PMID: 28295210 Georgieva et al., Hum Mol Genet. 2014 Dec 15;23(24):6677-83. PMID: 25055870 Ingason et al., Transl Psychiatry. 2015 Oct 13;5(10):e656. PMID: 26460480 Kushima et al., Mol Psychiatry. 2017 Mar;22(3):430-440. PMID: 27240532 Reggiani et al., Genome Med. 2017 Jul 19;9(1):67. PMID: 28724449